The following is an entry in ClinVar:

NM_003907.3(EIF2B5):c.1884G>A (p.Trp628Ter)

Gene: EIF2B5 (eukaryotic translation initiation factor 2B subunit epsilon; plus strand). Cytogenetic location: 3q27.1.
Variant type: single nucleotide variant.
Coding change: c.1884G>A on transcript NM_003907.3 (MANE Select); coding-DNA position 1884, G replaced by A.
Protein change: p.Trp628Ter; replaces tryptophan 628 with a stop codon.
Molecular consequence: nonsense.
Genome position (GRCh38, 1-based): chr3:184,144,113, G>A. VCF-style: chr3-184144113-G-A. GRCh37 (hg19) VCF-style: chr3-183861901-G-A.
Other names: short protein forms W628*.
Identifiers: ClinVar variation 1453780 (VCV001453780.8), dbSNP rs113994084, ClinGen allele CA88844128.

ClinVar aggregate classification (germline): Pathogenic (1 of 4 stars; one submission).

Submission:

Labcorp Genetics (formerly Invitae), Labcorp
Classification: Pathogenic. Last evaluated: 2023-04-08. Review status: criteria provided, single submitter. Criteria: Invitae Variant Classification Sherloc (09022015). Collection method: clinical testing. Allele origin: germline.
Comment: ClinVar contains an entry for this variant (Variation ID: 1453780). This premature translational stop signal has been observed in individual(s) with clinical features of leukoencephalopathy with vanishing white matter (PMID: 15136673). This variant is not present in population databases (gnomAD no frequency). This sequence change creates a premature translational stop signal (p.Trp628*) in the EIF2B5 gene. It is expected to result in an absent or disrupted protein product. Loss-of-function variants in EIF2B5 are known to be pathogenic (PMID: 11704758, 15060152, 21307862). For these reasons, this variant has been classified as Pathogenic.

Literature cited by the submitters: PubMed 15136673; PubMed 11704758; PubMed 15060152; PubMed 21307862.